The following is an entry in ClinVar:

ClinVar aggregate classification (germline): Uncertain significance. Review status: criteria provided, multiple submitters, no conflicts (2 of 4 stars). 3 submissions from 3 submitters: Uncertain significance (3). Last evaluated 2023-07-17.

Allele frequency attached by ClinVar (database versions not stated): gnomAD exomes below 0.00001 and 0.00001; gnomAD 0.00001; TOPMed 0.00003.
gnomAD v4.1: 23 of 1,606,460 alleles (0.0014%); highest among the groups gnomAD compares: East Asian, 0.0045%; no homozygotes.

Submissions (3):

Labcorp Genetics (formerly Invitae), Labcorp
Classification: Uncertain significance. Last evaluated: 2023-07-17. Review status: criteria provided, single submitter. Criteria: Invitae Variant Classification Sherloc (09022015). Collection method: clinical testing. Allele origin: germline.
Comment: In summary, the available evidence is currently insufficient to determine the role of this variant in disease. Therefore, it has been classified as a Variant of Uncertain Significance. An algorithm developed to predict the effect of missense changes on protein structure and function (PolyPhen-2) suggests that this variant is likely to be disruptive. This sequence change replaces arginine, which is basic and polar, with cysteine, which is neutral and slightly polar, at codon 33 of the GPR179 protein (p.Arg33Cys). This variant is present in population databases (no rsID available, gnomAD 0.005%). This variant has not been reported in the literature in individuals affected with GPR179-related conditions. ClinVar contains an entry for this variant (Variation ID: 1358536).

GeneDx
Classification: Uncertain significance. Last evaluated: 2023-06-26. Review status: criteria provided, single submitter. Criteria: GeneDx Variant Classification Process June 2021. Collection method: clinical testing. Allele origin: germline. Affected: yes.
Comment: In silico analysis supports that this missense variant has a deleterious effect on protein structure/function; Has not been previously published as pathogenic or benign to our knowledge

Blueprint Genetics
Classification: Uncertain significance. Last evaluated: 2019-07-30. Review status: criteria provided, single submitter. Criteria: ACMG Guidelines, 2015. Collection method: clinical testing. Allele origin: germline.

NM_001004334.4(GPR179):c.97C>T (p.Arg33Cys)

Gene: GPR179 (G protein-coupled receptor 179; minus strand). Cytogenetic location: 17q12.
Variant type: single nucleotide variant.
Coding change: c.97C>T on transcript NM_001004334.4 (MANE Select); coding-DNA position 97, C replaced by T.
Protein change: p.Arg33Cys; replaces arginine 33 with cysteine.
Molecular consequence: missense variant.
Genome position (GRCh38, 1-based): chr17:38,343,693, G>A on the plus strand (C>T on the coding strand, the complement: GPR179 is on the minus strand). VCF-style: chr17-38343693-G-A. GRCh37 (hg19) VCF-style: chr17-36499576-G-A.
Other names: c.97C>T (NM_001004334.3); short protein forms R33C.
Identifiers: ClinVar variation 1358536 (VCV001358536.6), dbSNP rs1451373621, ClinGen allele CA398889916.
Genomic context (GRCh38, chr17:38,343,693, plus strand): 5'-GGGGCACCTGCATGGGTACAGATCCTGGCTTGACTTGGGAAGACAGAGGGGGCAGAGAGC[G>A]GATGGGCCGTGGACCCCCCAGAGCCCAGGCACAGACAAAACAGCAGCCCAGCAGCCCCCA-3'
Protein context (NP_001004334.3, residues 23-43): AWALGGPRPI[Arg33Cys]SLPPLSSQVK